The following is an entry in ClinVar:

NM_001378778.1(MPDZ):c.4464+17T>C

Gene: MPDZ (multiple PDZ domain crumbs cell polarity complex component; minus strand). Cytogenetic location: 9p23.
Variant type: single nucleotide variant.
Coding change: c.4464+17T>C on transcript NM_001378778.1 (MANE Select); 17 bases into the intron after coding-DNA position 4464, T replaced by C.
Molecular consequence: intron variant.
Genome position (GRCh38, 1-based): chr9:13,133,807, A>G on the plus strand (T>C on the coding strand, the complement: MPDZ is on the minus strand). VCF-style: chr9-13133807-A-G. GRCh37 (hg19) VCF-style: chr9-13133806-A-G.
Other names: c.4254+17T>C (NM_001375425.1, NM_001375420.1, NM_001375423.1 and 4 more transcripts); c.4365+17T>C (NM_001375419.1, NM_001375416.1, NM_001375418.1 and 3 more transcripts); c.4464+17T>C (NM_001330637.2, NM_003829.5); c.4056+17T>C (NM_001375427.1); c.4563+17T>C (NM_001375413.1).
Identifiers: ClinVar variation 4696039 (VCV004696039.3).

ClinVar aggregate classification (germline): Conflicting classifications of pathogenicity. Review status: criteria provided, conflicting classifications (1 of 4 stars). 2 submissions from 2 submitters: Uncertain significance (1); Likely benign (1). Last evaluated 2025-02-10.

Conditions:
Hydrocephalus, nonsyndromic, autosomal recessive 2. Also called: Hydrocephalus, congenital, 2, with or without brain or eye anomalies. Identifiers: Orphanet 2185, MedGen C3554691, MONDO:0014085, OMIM 615219.

gnomAD v4.1: 8 of 1,555,352 alleles (0.00051%); highest among the groups gnomAD compares: East Asian, 0.018%; no homozygotes.

Submissions (2):

Labcorp Genetics (formerly Invitae), Labcorp
Classification: Likely benign. Last evaluated: 2025-02-10. Review status: criteria provided, single submitter. Criteria: Invitae Variant Classification Sherloc (09022015). Collection method: clinical testing. Allele origin: germline.

Juno Genomics, Hangzhou Juno Genomics, Inc
Classification: Uncertain significance for Hydrocephalus, nonsyndromic, autosomal recessive 2. Review status: criteria provided, single submitter. Criteria: ACMG Guidelines, 2015. Collection method: clinical testing. Allele origin: germline.
Comment: Absent from controls (or at extremely low frequency if recessive) in Genome Aggregation Database.;Multiple lines of computational evidence support a deleterious effect on the gene or gene product.